The following is an entry in ClinVar:

NM_001077418.3(TMEM231):c.139+23G>A

Gene: TMEM231 (transmembrane protein 231; minus strand). Cytogenetic location: 16q23.1.
Variant type: single nucleotide variant.
Coding change: c.139+23G>A on transcript NM_001077418.3 (MANE Select); 23 bases into the intron after coding-DNA position 139, G replaced by A.
Molecular consequence: intron variant. On other transcripts: missense variant (1).
Genome position (GRCh38, 1-based): chr16:75,556,048, C>T on the plus strand (G>A on the coding strand, the complement: TMEM231 is on the minus strand). VCF-style: chr16-75556048-C-T. GRCh37 (hg19) VCF-style: chr16-75589946-C-T.
Other names: c.224G>A, p.Cys75Tyr (NM_001077416.2); short protein forms C75Y.
Identifiers: ClinVar variation 1360861 (VCV001360861.3), dbSNP rs770598456, ClinGen allele CA8176293.

ClinVar aggregate classification (germline): Uncertain significance (1 of 4 stars; one submission).

Conditions:
Joubert syndrome 20 (JBTS20). Identifiers: Orphanet 475, MedGen C3554235, MONDO:0013994, OMIM 614970.
Meckel syndrome, type 11 (MKS11). Identifiers: Orphanet 564, MedGen C3809352, MONDO:0014164, OMIM 615397.

Allele frequency attached by ClinVar (database versions not stated): gnomAD exomes below 0.00001 and 0.00001; ExAC 0.00004.
gnomAD v4.1: 4 of 1,566,226 alleles (0.00026%); highest among the groups gnomAD compares: South Asian, 0.0047%; no homozygotes.

Submission:

Labcorp Genetics (formerly Invitae), Labcorp
Classification: Uncertain significance for Joubert syndrome 20; Meckel syndrome, type 11. Last evaluated: 2022-07-19. Review status: criteria provided, single submitter. Criteria: Invitae Variant Classification Sherloc (09022015). Collection method: clinical testing. Allele origin: germline.
Comment: This sequence change replaces cysteine, which is neutral and slightly polar, with tyrosine, which is neutral and polar, at codon 75 of the TMEM231 protein (p.Cys75Tyr). The frequency data for this variant in the population databases is considered unreliable, as metrics indicate poor data quality at this position in the gnomAD database. This variant has not been reported in the literature in individuals affected with TMEM231-related conditions. ClinVar contains an entry for this variant (Variation ID: 1360861). Algorithms developed to predict the effect of missense changes on protein structure and function are either unavailable or do not agree on the potential impact of this missense change (SIFT: "Deleterious"; PolyPhen-2: "Not Available"; Align-GVGD: "Class C0"). In summary, the available evidence is currently insufficient to determine the role of this variant in disease. Therefore, it has been classified as a Variant of Uncertain Significance.